The following is an entry in ClinVar:

NM_004444.5(EPHB4):c.698C>T (p.Pro233Leu)

Gene: EPHB4 (EPH receptor B4; minus strand). Cytogenetic location: 7q22.1.
Variant type: single nucleotide variant.
Coding change: c.698C>T on transcript NM_004444.5 (MANE Select); coding-DNA position 698, C replaced by T.
Protein change: p.Pro233Leu; replaces proline 233 with leucine.
Molecular consequence: missense variant.
Genome position (GRCh38, 1-based): chr7:100,822,381, G>A on the plus strand (C>T on the coding strand, the complement: EPHB4 is on the minus strand). VCF-style: chr7-100822381-G-A. GRCh37 (hg19) VCF-style: chr7-100420003-G-A.
Other names: short protein forms P233L.
Identifiers: ClinVar variation 3845473 (VCV003845473.1).

ClinVar aggregate classification (germline): Uncertain significance (1 of 4 stars; one submission).

Conditions:
Cardiovascular phenotype. Identifiers: MedGen CN230736.

gnomAD v4.1: 1 of 1,573,398 alleles (0.000064%); highest among the groups gnomAD compares: Non-Finnish European, 0.000086%; no homozygotes.

Submission:

Ambry Genetics
Classification: Uncertain significance for Cardiovascular phenotype. Last evaluated: 2025-03-03. Review status: criteria provided, single submitter. Criteria: Ambry Variant Classification Scheme 2023. Collection method: clinical testing. Allele origin: germline.
Comment: The p.P233L variant (also known as c.698C>T), located in coding exon 4 of the EPHB4 gene, results from a C to T substitution at nucleotide position 698. The proline at codon 233 is replaced by leucine, an amino acid with similar properties. This amino acid position is conserved. In addition, this alteration is predicted to be tolerated by in silico analysis. Based on the available evidence, the clinical significance of this variant remains unclear.